The following is an entry in ClinVar:

NM_003119.4(SPG7):c.210T>A (p.Pro70=)

Gene: SPG7 (SPG7 matrix AAA peptidase subunit, paraplegin; plus strand). Cytogenetic location: 16q24.3.
Variant type: single nucleotide variant.
Coding change: c.210T>A on transcript NM_003119.4 (MANE Select); coding-DNA position 210, T replaced by A.
Protein change: p.Pro70=; no amino-acid change (proline 70 retained).
Molecular consequence: synonymous variant.
Genome position (GRCh38, 1-based): chr16:89,510,516, T>A. VCF-style: chr16-89510516-T-A. GRCh37 (hg19) VCF-style: chr16-89576924-T-A.
Other names: c.210T>A, p.Pro70= (NM_001363850.1, NM_199367.3).
Identifiers: ClinVar variation 3025553 (VCV003025553.22), dbSNP rs2543672165, ClinGen allele CA497175010.

ClinVar aggregate classification (germline): Likely benign (1 of 4 stars; one submission).

Submission:

CeGaT Center for Human Genetics Tuebingen
Classification: Likely benign. Last evaluated: 2024-02-01. Review status: criteria provided, single submitter. Criteria: CeGaT Center For Human Genetics Tuebingen Variant Classification Criteria Version 2. Collection method: clinical testing. Allele origin: germline. Affected: yes. Observed: 2 variant alleles.
Comment: SPG7: PM2:Supporting, BP4, BP7